The following is an entry in ClinVar:

ClinVar aggregate classification (germline): Likely benign. Review status: criteria provided, single submitter (1 of 4 stars). 2 submissions from 2 submitters: Likely benign (1). 1 of the submissions does not count toward it. Last evaluated 2024-02-01.

Conditions:
RAB23-related disorder. Also called: RAB23-related condition.
Carpenter syndrome. Identifiers: Orphanet 65759, MedGen C1275078, MONDO:0019012.

gnomAD v4.1: 11 of 1,612,632 alleles (0.00068%); highest among the groups gnomAD compares: Non-Finnish European, 0.00093%; no homozygotes.

Submissions (2):

Labcorp Genetics (formerly Invitae), Labcorp
Classification: Likely benign for Carpenter syndrome. Last evaluated: 2024-02-01. Review status: criteria provided, single submitter. Criteria: Invitae Variant Classification Sherloc (09022015). Collection method: clinical testing. Allele origin: germline.

PreventionGenetics, part of Exact Sciences
Classification: Likely benign for RAB23-related condition. Last evaluated: 2021-09-09. Review status: no assertion criteria provided. Collection method: clinical testing. Allele origin: germline. Not counted in ClinVar's aggregate classification.
Comment: This variant is classified as likely benign based on ACMG/AMP sequence variant interpretation guidelines (Richards et al. 2015 PMID: 25741868, with internal and published modifications).

NM_016277.5(RAB23):c.552G>C (p.Thr184=)

Gene: RAB23 (RAB23, member RAS oncogene family; minus strand). Cytogenetic location: 6p12.1.
Variant type: single nucleotide variant.
Coding change: c.552G>C on transcript NM_016277.5 (MANE Select); coding-DNA position 552, G replaced by C.
Protein change: p.Thr184=; no amino-acid change (threonine 184 retained).
Molecular consequence: synonymous variant. On other transcripts: non-coding transcript variant (1).
Genome position (GRCh38, 1-based): chr6:57,193,864, C>G on the plus strand (G>C on the coding strand, the complement: RAB23 is on the minus strand). VCF-style: chr6-57193864-C-G. GRCh37 (hg19) VCF-style: chr6-57058662-C-G.
Other names: c.552G>C, p.Thr184= (NM_001278666.2, NM_001278667.2, NM_001278668.2 and 1 more transcripts); c.552G>C (NM_183227.2).
Identifiers: ClinVar variation 1538809 (VCV001538809.10), dbSNP rs201731610, ClinGen allele CA3873778.
Genomic context (GRCh38, chr6:57,193,864, plus strand): 5'-ACCAAGTAAACATGGGCTAAAATTTCCTATGTACTTACCAATCTTGTTACTACTTGAATG[C>G]GTTAGTTCTGGATCCTCAGCTATTTGTTGTTTGAGTTTCTGAAGGTATTTTTCAGCCAAA-3'
Protein context (NP_057361.3, residues 174-194): KQQIAEDPEL[Thr184=]HSSSNKIGVF